The following is an entry in ClinVar:

NM_006514.4(SCN10A):c.3417G>C (p.Trp1139Cys)

Genes: SCN10A (sodium voltage-gated channel alpha subunit 10; minus strand), LOC110121288 (VISTA enhancer hs2268; plus strand). Cytogenetic location: 3p22.2.
Variant type: single nucleotide variant.
Coding change: c.3417G>C on transcript NM_006514.4 (MANE Select); coding-DNA position 3417, G replaced by C.
Protein change: p.Trp1139Cys; replaces tryptophan 1139 with cysteine.
Molecular consequence: missense variant.
Genome position (GRCh38, 1-based): chr3:38,722,348, C>G on the plus strand (G>C on the coding strand, the complement: SCN10A is on the minus strand). VCF-style: chr3-38722348-C-G. GRCh37 (hg19) VCF-style: chr3-38763839-C-G.
Other names: c.3414G>C, p.Trp1138Cys (NM_001293306.2); c.3123G>C, p.Trp1041Cys (NM_001293307.2); short protein forms W1139C, W1138C, W1041C.
Identifiers: ClinVar variation 532064 (VCV000532064.20), dbSNP rs143744796, ClinGen allele CA2320241.

ClinVar aggregate classification (germline): Conflicting classifications of pathogenicity. Review status: criteria provided, conflicting classifications (1 of 4 stars). 5 submissions from 5 submitters: Uncertain significance (4); Likely benign (1). Last evaluated 2026-01-13.

Conditions:
Episodic pain syndrome, familial, 2 (FEPS2). Identifiers: Orphanet 306577, MedGen C3809893, MONDO:0014246, OMIM 615551.
Brugada syndrome. Also called: Sudden unexplained nocturnal death syndrome; Sudden Unexplained Death Syndrome; Sudden Unexplained Nocturnal Death Syndrome (SUNDS); Sudden unexpected nocturnal death syndrome. Identifiers: Orphanet 130, MedGen C1142166, MONDO:0015263.
Cardiovascular phenotype. Identifiers: MedGen CN230736.

Allele frequency attached by ClinVar (database versions not stated): gnomAD 0.00013; ESP Exome Variant Server 0.00015; TOPMed 0.00016.

Submissions (5):

Labcorp Genetics (formerly Invitae), Labcorp
Classification: Uncertain significance for Brugada syndrome. Last evaluated: 2026-01-13. Review status: criteria provided, single submitter. Criteria: Invitae Variant Classification Sherloc (09022015). Collection method: clinical testing. Allele origin: germline.
Comment: This sequence change replaces tryptophan, which is neutral and slightly polar, with cysteine, which is neutral and slightly polar, at codon 1139 of the SCN10A protein (p.Trp1139Cys). This variant is present in population databases (rs143744796, gnomAD 0.02%). This missense change has been observed in individual(s) with Brugada syndrome or arrhythmogenic right ventricular cardiomyopathy (PMID: 25691538, 26733327). ClinVar contains an entry for this variant (Variation ID: 532064). Invitae Evidence Modeling of protein sequence and biophysical properties (such as structural, functional, and spatial information, amino acid conservation, physicochemical variation, residue mobility, and thermodynamic stability) indicates that this missense variant is not expected to disrupt SCN10A protein function with a negative predictive value of 80%. In summary, the available evidence is currently insufficient to determine the role of this variant in disease. Therefore, it has been classified as a Variant of Uncertain Significance.

GeneDx
Classification: Uncertain significance. Last evaluated: 2023-02-08. Review status: criteria provided, single submitter. Criteria: GeneDx Variant Classification Process June 2021. Collection method: clinical testing. Allele origin: germline. Affected: yes.
Comment: Reported in association with Brugada syndrome and arrhythmogenic right ventricular dysplasia/cardiomyopathy (Behr et al., 2015; Te Riele et al., 2016); In silico analysis supports that this missense variant has a deleterious effect on protein structure/function; This variant is associated with the following publications: (PMID: 26733327, 25691538)

Fulgent Genetics
Classification: Uncertain significance for Episodic pain syndrome, familial, 2. Last evaluated: 2021-09-13. Review status: criteria provided, single submitter. Criteria: ACMG Guidelines, 2015. Collection method: clinical testing. Allele origin: unknown.

Ambry Genetics
Classification: Likely benign for Cardiovascular phenotype. Last evaluated: 2020-05-28. Review status: criteria provided, single submitter. Criteria: Ambry Variant Classification Scheme 2023. Collection method: clinical testing. Allele origin: germline.

Breakthrough Genomics
Classification: Uncertain significance. Review status: criteria provided, single submitter. Criteria: ACMG Guidelines, 2015. Collection method: not provided. Allele origin: germline. Inheritance: Autosomal dominant inheritance. Affected: yes.

Literature cited by the submitters: PubMed 25691538 (cited by Labcorp Genetics (formerly Invitae), Labcorp); PubMed 26733327 (cited by Labcorp Genetics (formerly Invitae), Labcorp).